The following is an entry in ClinVar:

ClinVar aggregate classification (germline): Pathogenic (1 of 4 stars; one submission).

Conditions:
Hereditary factor VIII deficiency disease (HEMA). Also called: HEMOPHILIA, CLASSIC; AUTOSOMAL HEMOPHILIA A; Hemophilia A; Hemophilia A, congenital; HEM A; Factor 8 deficiency, congenital. Identifiers: Orphanet 98878, MedGen C0019069, MONDO:0010602, OMIM 306700.

Submission:

Women's Health and Genetics/Laboratory Corporation of America, LabCorp
Classification: Pathogenic for Hereditary factor VIII deficiency disease. Last evaluated: 2023-09-19. Review status: criteria provided, single submitter. Criteria: LabCorp Variant Classification Summary - May 2015. Collection method: clinical testing. Allele origin: germline.
Comment: Variant summary: The variant identified by MLPA or other technology involves the duplication of exons 2-22 in the F8 gene. A presumed nomenclature of c.(143+1_144-1)_(6429+1_6430-1)dup has been designated for the purposes of this classification. It has been assumed that this is a tandem duplication in direct orientation (Richardson_GIM_2018, Newman_AJHG_2015). Although exact breakpoints of this duplication are not known, it is expected to result in a frameshift in the F8 gene, a known mechanism of disease. The variant was absent in 16120 control chromosomes (gnomAD Structural Variants dataset). The available data on variant occurrences in the general population are insufficient to allow any conclusion about variant significance. c.(143+1_144-1)_(6429+1_6430-1)dup has been reported in the literature in at least one individual affected with Factor VIII Deficiency (Hemophilia A) (e.g., Payne_2012). These data suggest the variant is very likely to be associated with disease. To our knowledge, no experimental evidence demonstrating an impact on protein function has been reported. The following publication was ascertained in the context of this evaluation (PMID: 22759210). No submitters have reported clinical-significance assessments for this variant to ClinVar after 2014. Based on the evidence outlined above, the variant was classified as pathogenic.

Literature cited by the submitters: PubMed 22759210.

NC_000023.10:g.(154091503_154124351)_(154227876_154250684)dup

Genes: F8 (coagulation factor VIII; minus strand), F8A1 (coagulation factor VIII associated 1; plus strand), H2AB1 (H2A.B variant histone 1; plus strand). Cytogenetic location: Xq28.
Variant type: Duplication.
Identifiers: ClinVar variation 2627274 (VCV002627274.1).